The following is an entry in ClinVar:

NM_000400.4(ERCC2):c.316G>C (p.Gly106Arg)

Gene: ERCC2 (ERCC excision repair 2, TFIIH core complex helicase subunit; minus strand). Cytogenetic location: 19q13.32.
Variant type: single nucleotide variant.
Coding change: c.316G>C on transcript NM_000400.4 (MANE Select); coding-DNA position 316, G replaced by C.
Protein change: p.Gly106Arg; replaces glycine 106 with arginine.
Molecular consequence: missense variant.
Genome position (GRCh38, 1-based): chr19:45,368,674, C>G on the plus strand (G>C on the coding strand, the complement: ERCC2 is on the minus strand). VCF-style: chr19-45368674-C-G. GRCh37 (hg19) VCF-style: chr19-45871932-C-G.
Other names: c.244G>C, p.Gly82Arg (NM_001130867.2); short protein forms G106R, G82R.
Identifiers: ClinVar variation 3276238 (VCV003276238.1).

ClinVar aggregate classification (germline): Uncertain significance (1 of 4 stars; one submission).

Conditions:
Inborn genetic diseases. Identifiers: MedGen C0950123, MeSH D030342.

gnomAD v4.1: 1 of 1,614,142 alleles (0.000062%); highest among the groups gnomAD compares: Non-Finnish European, 0.000085%; no homozygotes.

Submission:

Ambry Genetics
Classification: Uncertain significance for Inborn genetic diseases. Last evaluated: 2024-04-08. Review status: criteria provided, single submitter. Criteria: Ambry Variant Classification Scheme 2023. Collection method: clinical testing. Allele origin: germline.
Comment: The p.G106R variant (also known as c.316G>C), located in coding exon 5 of the ERCC2 gene, results from a G to C substitution at nucleotide position 316. The glycine at codon 106 is replaced by arginine, an amino acid with dissimilar properties. This amino acid position is conserved. In addition, this alteration is predicted to be deleterious by in silico analysis. Based on the available evidence, the clinical significance of this variant remains unclear.